The following is an entry in ClinVar:

ClinVar aggregate classification (germline): Uncertain significance (1 of 4 stars; one submission).

Allele frequency attached by ClinVar (database versions not stated): gnomAD exomes below 0.00001; gnomAD 0.00001; TOPMed 0.00001.
gnomAD v4.1: 5 of 1,614,088 alleles (0.00031%); highest among the groups gnomAD compares: East Asian, 0.0045%; no homozygotes.

Submission:

Labcorp Genetics (formerly Invitae), Labcorp
Classification: Uncertain significance. Last evaluated: 2021-11-07. Review status: criteria provided, single submitter. Criteria: Invitae Variant Classification Sherloc (09022015). Collection method: clinical testing. Allele origin: germline.
Comment: This sequence change replaces asparagine, which is neutral and polar, with serine, which is neutral and polar, at codon 104 of the SULF1 protein (p.Asn104Ser). This variant is not present in population databases (gnomAD no frequency). This variant has not been reported in the literature in individuals affected with SULF1-related conditions. Algorithms developed to predict the effect of missense changes on protein structure and function (SIFT, PolyPhen-2, Align-GVGD) all suggest that this variant is likely to be tolerated. Algorithms developed to predict the effect of sequence changes on RNA splicing suggest that this variant may create or strengthen a splice site. In summary, the available evidence is currently insufficient to determine the role of this variant in disease. Therefore, it has been classified as a Variant of Uncertain Significance.

NM_001128205.2(SULF1):c.311A>G (p.Asn104Ser)

Gene: SULF1 (sulfatase 1; plus strand). Cytogenetic location: 8q13.2.
Variant type: single nucleotide variant.
Coding change: c.311A>G on transcript NM_001128205.2 (MANE Select); coding-DNA position 311, A replaced by G.
Protein change: p.Asn104Ser; replaces asparagine 104 with serine.
Molecular consequence: missense variant. On other transcripts: non-coding transcript variant (2).
Genome position (GRCh38, 1-based): chr8:69,576,108, A>G. VCF-style: chr8-69576108-A-G. GRCh37 (hg19) VCF-style: chr8-70488343-A-G.
Other names: c.311A>G, p.Asn104Ser (NM_001128204.2, NM_001128206.2, NM_015170.3); short protein forms N104S.
Identifiers: ClinVar variation 1363843 (VCV001363843.6), dbSNP rs943768137, ClinGen allele CA178271138.